The following is an entry in ClinVar:

ClinVar aggregate classification (germline): Uncertain significance (1 of 4 stars; one submission).

Submission:

Labcorp Genetics (formerly Invitae), Labcorp
Classification: Uncertain significance. Last evaluated: 2024-12-11. Review status: criteria provided, single submitter. Criteria: Invitae Variant Classification Sherloc (09022015). Collection method: clinical testing. Allele origin: germline.
Comment: This sequence change inserts a large fragment of DNA, likely a transposable element, in exon 6 of the CPA1 gene (c.607_608ins?), causing a frameshift at codon 203 (p.Asp203fs). The exact size and sequence of the insertion cannot be determined by the current assay. However, the insertion is expected to result in an absent or disrupted protein product. This variant is not present in population databases (gnomAD no frequency). This variant has not been reported in the literature in individuals affected with CPA1-related conditions. ClinVar contains an entry for this variant (Variation ID: 1389447). Retrotransposon insertions including LINE1 (L1), Alu, and SVA (SINE-VNTR-Alu) have been reported to disrupt protein function (PMID: 19763152, 20307669, 22406018). However the effect of this particular variant is unknown. In summary, the available evidence is currently insufficient to determine the role of this variant in disease. Therefore, it has been classified as a Variant of Uncertain Significance.

Literature cited by the submitters: PubMed 19763152; PubMed 20307669; PubMed 22406018.

NM_001868.4(CPA1):c.607_608insGCCGGGCGCGGTGGCTCACGCCTGTAATCCCACCACGATGGGAGGCCGAGGCGCGCGGATCACGAGGTCAAGANNNNNNNNNNAAAAAAAAAAAAAAAAAAAAAAGACTACGGGCAGG (p.Asp203fs)

Gene: CPA1 (carboxypeptidase A1; plus strand). Cytogenetic location: 7q32.2.
Variant type: Insertion.
Coding change: c.607_608insGCCGGGCGCGGTGGCTCACGCCTGTAATCCCACCACGATGGGAGGCCGAGGCGCGCGGATCACGAGGTCAAGANNNNNNNNNNAAAAAAAAAAAAAAAAAAAAAAGACTACGGGCAGG on transcript NM_001868.4 (MANE Select); coding-DNA positions 607 to 608, GCCGGGCGCGGTGGCTCACGCCTGTAATCCCACCACGATGGGAGGCCGAGGCGCGCGGATCACGAGGTCAAGANNNNNNNNNNAAAAAAAAAAAAAAAAAAAAAAGACTACGGGCAGG inserted.
Protein change: p.Asp203fs; shifts the reading frame from aspartic acid 203.
Molecular consequence: frameshift variant.
Genome position: GRCh38: chr7:130,383,705-130,383,706. GRCh37 (hg19): chr7:130,023,546-130,023,547.
Other names: short protein forms D203fs.
Identifiers: ClinVar variation 1389447 (VCV001389447.6), dbSNP rs2117503674.